The following is an entry in ClinVar:

ClinVar aggregate classification (germline): Likely benign. Review status: criteria provided, multiple submitters, no conflicts (2 of 4 stars). 5 submissions from 5 submitters: Likely benign (5). Last evaluated 2026-01-20.

Conditions:
Dilated cardiomyopathy 1G (CMD1G). Identifiers: Orphanet 154, MedGen C1858763, MONDO:0011400, OMIM 604145.
Autosomal recessive limb-girdle muscular dystrophy type 2J (LGMDR10). Also called: MUSCULAR DYSTROPHY, LIMB-GIRDLE, AUTOSOMAL RECESSIVE 10; Limb-girdle muscular dystrophy, type 2J. Identifiers: Orphanet 140922, MedGen C1837342, MONDO:0012127, OMIM 608807.
Cardiovascular phenotype. Identifiers: MedGen CN230736.
TTN-related disorder. Also called: TTN-related condition; TTN-related disease; TTN-related disorders.

Allele frequency attached by ClinVar (database versions not stated): gnomAD exomes 0.00002 and 0.00003; ExAC 0.00003; gnomAD 0.00004; TOPMed 0.00005; ESP Exome Variant Server 0.00008.
gnomAD v4.1: 36 of 1,613,754 alleles (0.0022%); highest among the groups gnomAD compares: South Asian, 0.0055%; no homozygotes.

Submissions (5):

Labcorp Genetics (formerly Invitae), Labcorp
Classification: Likely benign for Dilated cardiomyopathy 1G; Autosomal recessive limb-girdle muscular dystrophy type 2J. Last evaluated: 2026-01-20. Review status: criteria provided, single submitter. Criteria: Invitae Variant Classification Sherloc (09022015). Collection method: clinical testing. Allele origin: germline.

PreventionGenetics, part of Exact Sciences
Classification: Likely benign for TTN-related condition. Last evaluated: 2025-11-05. Review status: criteria provided, single submitter. Criteria: ACMG Guidelines, 2015. Collection method: clinical testing. Allele origin: germline.
Comment: This variant is classified as likely benign based on ACMG/AMP sequence variant interpretation guidelines (Richards et al. 2015 PMID: 25741868, with internal and published modifications).

Ambry Genetics
Classification: Likely benign for Cardiovascular phenotype. Last evaluated: 2024-11-03. Review status: criteria provided, single submitter. Criteria: Ambry Variant Classification Scheme 2023. Collection method: clinical testing. Allele origin: germline.

Blueprint Genetics
Classification: Likely benign. Last evaluated: 2024-05-21. Review status: criteria provided, single submitter. Criteria: ACMG Guidelines, 2015. Collection method: clinical testing. Allele origin: germline.

ARUP Laboratories, Molecular Genetics and Genomics, ARUP Laboratories
Classification: Likely benign. Last evaluated: 2018-04-11. Review status: criteria provided, single submitter. Criteria: ARUP Molecular Germline Variant Investigation Process. Collection method: clinical testing. Allele origin: germline.
Comment: The c.6387C>T; p.Pro2129Pro variant does not alter the amino acid sequence of the TTN protein and computational splice site prediction algorithms do not predict a change in the nearest splice site or creation of a cryptic splice site. This variant is rare in the general population (<1% allele frequency in the Genome Aggregation Database) and has not been reported in the medical literature in association with dilated cardiomyopathy (DCM) or other TTN-related disease. Evidence suggests that the vast majority of rare non-truncating TTN variants do not contribute to the clinical outcome of DCM (Begay 2015). Given the available evidence, the c.6387C>T variant is likely to be benign.

NM_001267550.2(TTN):c.6387C>T (p.Pro2129=)

Gene: TTN (titin; minus strand). Cytogenetic location: 2q31.2.
Variant type: single nucleotide variant.
Coding change: c.6387C>T on transcript NM_001267550.2 (MANE Select); coding-DNA position 6387, C replaced by T.
Protein change: p.Pro2129=; no amino-acid change (proline 2129 retained).
Molecular consequence: synonymous variant.
Genome position (GRCh38, 1-based): chr2:178,775,477, G>A on the plus strand (C>T on the coding strand, the complement: TTN is on the minus strand). VCF-style: chr2-178775477-G-A. GRCh37 (hg19) VCF-style: chr2-179640204-G-A.
Other names: c.6387C>T, p.Pro2129= (NM_133378.4, NM_001256850.1, NM_133379.5); c.6249C>T, p.Pro2083= (NM_003319.4, NM_133432.3, NM_133437.4).
Identifiers: ClinVar variation 618457 (VCV000618457.22), dbSNP rs140253822, ClinGen allele CA2005057.